The following is an entry in ClinVar:

NM_005445.4(SMC3):c.3231T>A (p.Ser1077Arg)

Gene: SMC3 (structural maintenance of chromosomes 3; plus strand). Cytogenetic location: 10q25.2.
Variant type: single nucleotide variant.
Coding change: c.3231T>A on transcript NM_005445.4 (MANE Select); coding-DNA position 3231, T replaced by A.
Protein change: p.Ser1077Arg; replaces serine 1077 with arginine.
Molecular consequence: missense variant.
Genome position (GRCh38, 1-based): chr10:110,602,599, T>A. VCF-style: chr10-110602599-T-A. GRCh37 (hg19) VCF-style: chr10-112362357-T-A.
Other names: short protein forms S1077R.
Identifiers: ClinVar variation 2886320 (VCV002886320.1), dbSNP rs1861403415, ClinGen allele CA378394779.

ClinVar aggregate classification (germline): Uncertain significance (1 of 4 stars; one submission).

Conditions:
Cornelia de Lange syndrome 3 (CDLS3). Also called: SMC3-Related Cornelia de Lange Syndrome; CORNELIA DE LANGE SYNDROME 3 WITH OR WITHOUT MIDLINE BRAIN DEFECTS. Identifiers: Orphanet 199, MedGen C1853099, MONDO:0012555, OMIM 610759.

Allele frequency attached by ClinVar (database versions not stated): TOPMed below 0.00001.
gnomAD v4.1: 9 of 1,613,612 alleles (0.00056%); highest among the groups gnomAD compares: Non-Finnish European, 0.00076%; no homozygotes.

Submission:

Labcorp Genetics (formerly Invitae), Labcorp
Classification: Uncertain significance for Cornelia de Lange syndrome 3. Last evaluated: 2023-12-11. Review status: criteria provided, single submitter. Criteria: Invitae Variant Classification Sherloc (09022015). Collection method: clinical testing. Allele origin: germline.
Comment: This sequence change replaces serine, which is neutral and polar, with arginine, which is basic and polar, at codon 1077 of the SMC3 protein (p.Ser1077Arg). This variant is not present in population databases (gnomAD no frequency). This variant has not been reported in the literature in individuals affected with SMC3-related conditions. An algorithm developed to predict the effect of missense changes on protein structure and function (PolyPhen-2) suggests that this variant¬†is likely to be tolerated. In summary, the available evidence is currently insufficient to determine the role of this variant in disease. Therefore, it has been classified as a Variant of Uncertain Significance.